The following is an entry in ClinVar:

ClinVar aggregate classification (germline): Likely benign. Review status: criteria provided, multiple submitters, no conflicts (2 of 4 stars). 5 submissions from 5 submitters: Likely benign (4). 1 of the submissions does not count toward it. Last evaluated 2026-03-01.

Conditions:
APC2-related disorder. Also called: APC2-Related Disorders; APC2-related condition.

Allele frequency attached by ClinVar (database versions not stated): gnomAD 0.00015; gnomAD exomes 0.00016; TOPMed 0.00016; ESP Exome Variant Server 0.00026; ExAC 0.00053.
gnomAD v4.1: 260 of 1,524,946 alleles (0.017%); highest among the groups gnomAD compares: Middle Eastern, 0.41%; no homozygotes.

Submissions (5):

CeGaT Center for Human Genetics Tuebingen
Classification: Likely benign. Last evaluated: 2026-03-01. Review status: criteria provided, single submitter. Criteria: CeGaT Center For Human Genetics Tuebingen Variant Classification Criteria Version 2. Collection method: clinical testing. Allele origin: germline. Affected: yes. Observed: 3 variant alleles.
Comment: APC2: BP4, BP7

Labcorp Genetics (formerly Invitae), Labcorp
Classification: Likely benign. Last evaluated: 2025-05-22. Review status: criteria provided, single submitter. Criteria: Invitae Variant Classification Sherloc (09022015). Collection method: clinical testing. Allele origin: germline.

Blueprint Genetics
Classification: Likely benign. Last evaluated: 2024-10-01. Review status: criteria provided, single submitter. Criteria: ACMG Guidelines, 2015. Collection method: clinical testing. Allele origin: germline.

Breakthrough Genomics
Classification: Likely benign. Review status: criteria provided, single submitter. Criteria: ACMG Guidelines, 2015. Collection method: not provided. Allele origin: germline. Inheritance: Autosomal recessive inheritance. Affected: yes.

PreventionGenetics, part of Exact Sciences
Classification: Likely benign for APC2-related condition. Last evaluated: 2019-10-31. Review status: no assertion criteria provided. Collection method: clinical testing. Allele origin: germline. Not counted in ClinVar's aggregate classification.
Comment: This variant is classified as likely benign based on ACMG/AMP sequence variant interpretation guidelines (Richards et al. 2015 PMID: 25741868, with internal and published modifications).

NM_005883.3(APC2):c.5604C>T (p.Leu1868=)

Gene: APC2 (APC regulator of Wnt signaling pathway 2; plus strand). Cytogenetic location: 19p13.3.
Variant type: single nucleotide variant.
Coding change: c.5604C>T on transcript NM_005883.3 (MANE Select); coding-DNA position 5604, C replaced by T.
Protein change: p.Leu1868=; no amino-acid change (leucine 1868 retained).
Molecular consequence: synonymous variant.
Genome position (GRCh38, 1-based): chr19:1,468,905, C>T. VCF-style: chr19-1468905-C-T. GRCh37 (hg19) VCF-style: chr19-1468904-C-T.
Other names: c.5601C>T, p.Leu1867= (NM_001351273.1).
Identifiers: ClinVar variation 742618 (VCV000742618.35), dbSNP rs376732568, ClinGen allele CA9046068.
Genomic context (GRCh38, chr19:1,468,905, plus strand): 5'-GACCTCGGAGCTGGCGACGCTGAGCCAGCCCCCCAGAAGCGCCACACCGCCCGCCCGCCT[C>T]GCCAAGACCCCCTCCTCCAGCTCCTCCCAGACCTCGCCCGCCTCCCAGCCCCTGCCCAGA-3'
Protein context (NP_005874.1, residues 1858-1878): PPRSATPPAR[Leu1868=]AKTPSSSSSQ